The following is an entry in ClinVar:

NM_001374504.1(TMPRSS6):c.1633C>T (p.Arg545Trp)

Gene: TMPRSS6 (transmembrane serine protease 6; minus strand). Cytogenetic location: 22q12.3.
Variant type: single nucleotide variant.
Coding change: c.1633C>T on transcript NM_001374504.1 (MANE Select); coding-DNA position 1633, C replaced by T.
Protein change: p.Arg545Trp; replaces arginine 545 with tryptophan.
Molecular consequence: missense variant.
Genome position (GRCh38, 1-based): chr22:37,070,955, G>A on the plus strand (C>T on the coding strand, the complement: TMPRSS6 is on the minus strand). VCF-style: chr22-37070955-G-A. GRCh37 (hg19) VCF-style: chr22-37466995-G-A.
Other names: c.1633C>T, p.Arg545Trp (NM_001289000.2, NM_001289001.2, NM_153609.4); short protein forms R545W.
Identifiers: ClinVar variation 903104 (VCV000903104.6), dbSNP rs140758411, ClinGen allele CA10215531.

ClinVar aggregate classification (germline): Uncertain significance. Review status: criteria provided, multiple submitters, no conflicts (2 of 4 stars). 3 submissions from 3 submitters: Uncertain significance (3). Last evaluated 2025-08-14.

Conditions:
Inborn genetic diseases. Identifiers: MedGen C0950123, MeSH D030342.
Microcytic anemia. Identifiers: MedGen C5194182, MONDO:0001245, HP:0001935. Disease mechanism: loss of function.

Allele frequency attached by ClinVar (database versions not stated): gnomAD exomes 0.00014; ExAC 0.00019; TOPMed 0.00044; 1000 Genomes Project 0.00060; ESP Exome Variant Server 0.00062; 1000 Genomes Project 30x 0.00078.
gnomAD v4.1: 125 of 1,613,230 alleles (0.0077%); highest among the groups gnomAD compares: African/African-American, 0.12%; no homozygotes.

Submissions (3):

Ambry Genetics
Classification: Uncertain significance for Inborn genetic diseases. Last evaluated: 2025-08-14. Review status: criteria provided, single submitter. Criteria: Ambry Variant Classification Scheme 2023. Collection method: clinical testing. Allele origin: germline.

Labcorp Genetics (formerly Invitae), Labcorp
Classification: Uncertain significance. Last evaluated: 2022-04-28. Review status: criteria provided, single submitter. Criteria: Invitae Variant Classification Sherloc (09022015). Collection method: clinical testing. Allele origin: germline.
Comment: This sequence change replaces arginine, which is basic and polar, with tryptophan, which is neutral and slightly polar, at codon 554 of the TMPRSS6 protein (p.Arg554Trp). This variant is present in population databases (rs140758411, gnomAD 0.1%). This variant has not been reported in the literature in individuals affected with TMPRSS6-related conditions. ClinVar contains an entry for this variant (Variation ID: 903104). Algorithms developed to predict the effect of missense changes on protein structure and function output the following: SIFT: "Tolerated"; PolyPhen-2: "Benign"; Align-GVGD: "Class C0". The tryptophan amino acid residue is found in multiple mammalian species, which suggests that this missense change does not adversely affect protein function. In summary, the available evidence is currently insufficient to determine the role of this variant in disease. Therefore, it has been classified as a Variant of Uncertain Significance.

Illumina Laboratory Services, Illumina
Classification: Uncertain significance for Iron-refractory iron deficiency anemia. Last evaluated: 2018-01-13. Review status: criteria provided, single submitter. Criteria: ICSL Variant Classification Criteria 13 December 2019. Collection method: clinical testing. Allele origin: germline.